The following is an entry in ClinVar:

NM_000038.6(APC):c.875dup (p.Leu292fs)

Gene: APC (APC regulator of Wnt signaling pathway; plus strand). Cytogenetic location: 5q22.2.
Variant type: Duplication.
Coding change: c.875dup on transcript NM_000038.6 (MANE Select); coding-DNA position 875, one base duplicated (T; older notation c.875dupT).
Protein change: p.Leu292fs; shifts the reading frame from leucine 292.
Molecular consequence: frameshift variant.
Genome position (GRCh38, 1-based): chr5:112,815,535, T duplicated; the last of 4 consecutive T bases (chr5:112,815,532-112,815,535); duplicating any one gives the same sequence. VCF-style (leftmost placement, unchanged base first): chr5-112815531-G-GT. GRCh37 (hg19) VCF-style: chr5-112151228-G-GT.
Other names: c.875dup, p.Leu292fs (NM_001127510.3, NM_001354895.2, NM_001354896.2 and 1 more transcripts); c.821dup, p.Leu274fs (NM_001127511.3); c.905dup, p.Leu302fs (NM_001354897.2, NM_001354902.2); c.800dup, p.Leu267fs (NM_001354898.2, NM_001354904.2); c.791dup, p.Leu264fs (NM_001354899.2); c.698dup, p.Leu233fs (NM_001354900.2, NM_001354901.2, NM_001354905.2); c.26dup, p.Leu9fs (NM_001354906.2); short protein forms L233fs, L292fs, L302fs, L264fs, L274fs, L267fs, L9fs.
Identifiers: ClinVar variation 844696 (VCV000844696.9), dbSNP rs1762417302, ClinGen allele CA445755690.
Genomic context (GRCh38, chr5:112,815,531, plus strand): 5'-ATCTATAATGTGCTTAATTTTTAGGGTTCAACTACACGAATGGACCATGAAACAGCCAGT[G>GT]TTTTGAGTTCTAGTAGCACACACTCTGCACCTCGAAGGCTGACAAGTCATCTGGGAACCA-3'

ClinVar aggregate classification (germline): Pathogenic (1 of 4 stars; one submission).

Conditions:
Familial adenomatous polyposis 1 (FAP1). Also called: FAMILIAL ADENOMATOUS POLYPOSIS 1, ATTENUATED; POLYPOSIS, ADENOMATOUS INTESTINAL. Identifiers: MedGen C2713442, MONDO:0021056, OMIM 175100. Disease mechanism: loss of function.

Submission:

Labcorp Genetics (formerly Invitae), Labcorp
Classification: Pathogenic for Familial adenomatous polyposis 1. Last evaluated: 2019-02-11. Review status: criteria provided, single submitter. Criteria: Invitae Variant Classification Sherloc (09022015). Collection method: clinical testing. Allele origin: germline.
Comment: For these reasons, this variant has been classified as Pathogenic. Loss-of-function variants in APC are known to be pathogenic (PMID: 17963004, 20685668). This variant has not been reported in the literature in individuals with APC-related conditions. This variant is not present in population databases (ExAC no frequency). This sequence change creates a premature translational stop signal (p.Leu292Phefs*4) in the APC gene. It is expected to result in an absent or disrupted protein product.

Literature cited by the submitters: PubMed 17963004; PubMed 20685668.